The following is an entry in ClinVar:

NM_018117.12(WDR11):c.2416T>G (p.Ser806Ala)

Gene: WDR11 (WD repeat domain 11; plus strand). Cytogenetic location: 10q26.12.
Variant type: single nucleotide variant.
Coding change: c.2416T>G on transcript NM_018117.12 (MANE Select); coding-DNA position 2416, T replaced by G.
Protein change: p.Ser806Ala; replaces serine 806 with alanine.
Molecular consequence: missense variant.
Genome position (GRCh38, 1-based): chr10:120,890,788, T>G. VCF-style: chr10-120890788-T-G. GRCh37 (hg19) VCF-style: chr10-122650300-T-G.
Other names: short protein forms S806A.
Identifiers: ClinVar variation 1810543 (VCV001810543.1), dbSNP rs2493343433, ClinGen allele CA378330540.
Genomic context (GRCh38, chr10:120,890,788, plus strand): 5'-AGCAGTTTAAGAAGTGGCAGAAATGTGACCTTTCGTATATTGGATGTGGACTGGTGTACG[T>G]CAGATAAAGTGATCTTGGCCTCAGATGATGGGTGCATCAGAGTCCTAGAGATGTCTATGA-3'
Protein context (NP_060587.8, residues 796-816): FRILDVDWCT[Ser806Ala]DKVILASDDG

ClinVar aggregate classification (germline): Uncertain significance (1 of 4 stars; one submission).

Submission:

GeneDx
Classification: Uncertain significance. Last evaluated: 2022-07-05. Review status: criteria provided, single submitter. Criteria: GeneDx Variant Classification Process June 2021. Collection method: clinical testing. Allele origin: germline. Affected: yes.
Comment: Not observed at significant frequency in large population cohorts (gnomAD); In silico analysis supports that this missense variant does not alter protein structure/function; Has not been previously published as pathogenic or benign to our knowledge